The following is an entry in ClinVar:

ClinVar aggregate classification (germline): Conflicting classifications of pathogenicity. Review status: criteria provided, conflicting classifications (1 of 4 stars). 3 submissions from 3 submitters: Uncertain significance (1); Likely benign (2). Last evaluated 2025-06-26.

Conditions:
Autosomal recessive limb-girdle muscular dystrophy type 2A (LGMDR1). Also called: Calpainopathy; MUSCULAR DYSTROPHY, PELVOFEMORAL; Limb-girdle muscular dystrophy, type 2A; Muscular dystrophy, limb-girdle, type 2A, Amish; LEYDEN-MOEBIUS MUSCULAR DYSTROPHY. Identifiers: Orphanet 267, MedGen C1869123, MONDO:0009675, OMIM 253600. Disease mechanism: loss of function.

Allele frequency attached by ClinVar (database versions not stated): gnomAD 0.00001; gnomAD exomes 0.00001; TOPMed 0.00002.
gnomAD v4.1: 21 of 1,613,796 alleles (0.0013%); highest among the groups gnomAD compares: East Asian, 0.0067%; no homozygotes.

Submissions (3):

Athena Diagnostics
Classification: Likely benign. Last evaluated: 2025-06-26. Review status: criteria provided, single submitter. Criteria: Athena Diagnostics Criteria. Collection method: clinical testing. Allele origin: unknown.
Comment: Computational tools yielded predictions that this variant is unlikely to have an effect on normal RNA splicing. This nucleotide position exhibits low evolutionary conservation.

Labcorp Genetics (formerly Invitae), Labcorp
Classification: Likely benign for Autosomal recessive limb-girdle muscular dystrophy type 2A. Last evaluated: 2024-02-25. Review status: criteria provided, single submitter. Criteria: Invitae Variant Classification Sherloc (09022015). Collection method: clinical testing. Allele origin: germline.

Eurofins Ntd Llc (ga)
Classification: Uncertain significance. Last evaluated: 2016-04-20. Review status: criteria provided, single submitter. Criteria: EGL Classification Definitions 2015. Collection method: clinical testing. Allele origin: germline. Observed: 1 variant allele, 1 heterozygote.

NM_000070.3(CAPN3):c.802-10C>T

Gene: CAPN3 (calpain 3; plus strand). Cytogenetic location: 15q15.1.
Variant type: single nucleotide variant.
Coding change: c.802-10C>T on transcript NM_000070.3 (MANE Select); 10 bases into the intron before coding-DNA position 802, C replaced by T.
Molecular consequence: intron variant.
Genome position (GRCh38, 1-based): chr15:42,389,943, C>T. VCF-style: chr15-42389943-C-T. GRCh37 (hg19) VCF-style: chr15-42682141-C-T.
Other names: c.802-10C>T (NM_024344.2, NM_000070.2); c.801+847C>T (NM_173087.2).
Identifiers: ClinVar variation 287719 (VCV000287719.14), dbSNP rs747895099, ClinGen allele CA10605847.